The following is an entry in ClinVar:

NM_001384125.1(BLTP1):c.12914_12915insCCTG (p.Ser4306fs)

Gene: BLTP1 (bridge-like lipid transfer protein family member 1; plus strand). Cytogenetic location: 4q27.
Variant type: Insertion.
Coding change: c.12914_12915insCCTG on transcript NM_001384125.1 (MANE Select); coding-DNA positions 12914 to 12915, CCTG inserted.
Protein change: p.Ser4306fs; shifts the reading frame from serine 4306.
Molecular consequence: frameshift variant.
Genome position: GRCh38 VCF-style: chr4-122344477-C-CGCCT. GRCh37 (hg19) VCF-style: chr4-123265632-C-CGCCT.
Other names: c.12650_12651insCCTG, p.Ser4218fs (NM_015312.4); short protein forms S4218fs, S4306fs.
Identifiers: ClinVar variation 938790 (VCV000938790.6), dbSNP rs1789635793, ClinGen allele CA1139658626.

ClinVar aggregate classification (germline): Pathogenic (1 of 4 stars; one submission).

Submission:

Labcorp Genetics (formerly Invitae), Labcorp
Classification: Pathogenic. Last evaluated: 2019-09-12. Review status: criteria provided, single submitter. Criteria: Invitae Variant Classification Sherloc (09022015). Collection method: clinical testing. Allele origin: germline.
Comment: This sequence change creates a premature translational stop signal (p.Ser4218Leufs*9) in the KIAA1109 gene. It is expected to result in an absent or disrupted protein product. This variant is not present in population databases (ExAC no frequency). This variant has not been reported in the literature in individuals with KIAA1109-related disease. Loss-of-function variants in KIAA1109 are known to be pathogenic (PMID: 29290337). For these reasons, this variant has been classified as Pathogenic.

Literature cited by the submitters: PubMed 29290337.